The following is an entry in ClinVar:

NM_003738.5(PTCH2):c.2278C>T (p.His760Tyr)

Gene: PTCH2 (patched 2; minus strand). Cytogenetic location: 1p34.1.
Variant type: single nucleotide variant.
Coding change: c.2278C>T on transcript NM_003738.5 (MANE Select); coding-DNA position 2278, C replaced by T.
Protein change: p.His760Tyr; replaces histidine 760 with tyrosine.
Molecular consequence: missense variant.
Genome position (GRCh38, 1-based): chr1:44,827,495, G>A on the plus strand (C>T on the coding strand, the complement: PTCH2 is on the minus strand). VCF-style: chr1-44827495-G-A. GRCh37 (hg19) VCF-style: chr1-45293167-G-A.
Other names: c.2278C>T, p.His760Tyr (NM_001166292.2); short protein forms H760Y.
Identifiers: ClinVar variation 4711492 (VCV004711492.1).

ClinVar aggregate classification (germline): Uncertain significance (1 of 4 stars; one submission).

Conditions:
Gorlin syndrome. Also called: Nevoid Basal Cell Carcinoma Syndrome; Basal cell nevus syndrome. Identifiers: Orphanet 377, MedGen C0004779, MONDO:0007187.

gnomAD v4.1: 4 of 1,614,032 alleles (0.00025%); highest among the groups gnomAD compares: African/African-American, 0.004%; no homozygotes.

Submission:

Labcorp Genetics (formerly Invitae), Labcorp
Classification: Uncertain significance for Gorlin syndrome. Last evaluated: 2025-05-19. Review status: criteria provided, single submitter. Criteria: Invitae Variant Classification Sherloc (09022015). Collection method: clinical testing. Allele origin: germline.
Comment: This sequence change replaces histidine, which is basic and polar, with tyrosine, which is neutral and polar, at codon 760 of the PTCH2 protein (p.His760Tyr). This variant is not present in population databases (gnomAD no frequency). This variant has not been reported in the literature in individuals affected with PTCH2-related conditions. Invitae Evidence Modeling of protein sequence and biophysical properties (such as structural, functional, and spatial information, amino acid conservation, physicochemical variation, residue mobility, and thermodynamic stability) indicates that this missense variant is not expected to disrupt PTCH2 protein function with a negative predictive value of 80%. In summary, the available evidence is currently insufficient to determine the role of this variant in disease. Therefore, it has been classified as a Variant of Uncertain Significance.